The following is an entry in ClinVar:

NM_024652.6(LRRK1):c.1150G>T (p.Glu384Ter)

Gene: LRRK1 (leucine rich repeat kinase 1; plus strand). Cytogenetic location: 15q26.3.
Variant type: single nucleotide variant.
Coding change: c.1150G>T on transcript NM_024652.6 (MANE Select); coding-DNA position 1150, G replaced by T.
Protein change: p.Glu384Ter; replaces glutamic acid 384 with a stop codon.
Molecular consequence: nonsense.
Genome position (GRCh38, 1-based): chr15:101,010,706, G>T. VCF-style: chr15-101010706-G-T. GRCh37 (hg19) VCF-style: chr15-101550911-G-T.
Other names: short protein forms E384*.
Identifiers: ClinVar variation 1436817 (VCV001436817.8), dbSNP rs2141693825, ClinGen allele CA393956309.
Genomic context (GRCh38, chr15:101,010,706, plus strand): 5'-TACTTTGGGTCTTTTTTTTTTTTTTTAGCCACTAACTGGATAGGTTTACGGAAGCTACAG[G>T]AACTTGATATATCTGACAATAAATTGACAGAACTCCCTGCCCTGTTCCTTCACTCTTTCA-3'

ClinVar aggregate classification (germline): Pathogenic (1 of 4 stars; one submission).

Submission:

Labcorp Genetics (formerly Invitae), Labcorp
Classification: Pathogenic. Last evaluated: 2020-12-23. Review status: criteria provided, single submitter. Criteria: Invitae Variant Classification Sherloc (09022015). Collection method: clinical testing. Allele origin: germline.
Comment: For these reasons, this variant has been classified as Pathogenic. Algorithms developed to predict the effect of sequence changes on RNA splicing suggest that this variant may create or strengthen a splice site, but this prediction has not been confirmed by published transcriptional studies. This variant has been observed in individual(s) with clinical features of LRRK1-related conditions (Invitae). This variant is not present in population databases (ExAC no frequency). This sequence change creates a premature translational stop signal (p.Glu384*) in the LRRK1 gene. It is expected to result in an absent or disrupted protein product. Loss-of-function variants in LRRK1 are known to be pathogenic (PMID: 23526378, 31571209, 32119750).

Literature cited by the submitters: PubMed 23526378; PubMed 31571209; PubMed 32119750.